The following is an entry in ClinVar:

NC_000011.10:g.1219991G>T

Gene: MUC5B (mucin 5B, oligomeric mucus/gel-forming; plus strand). Cytogenetic location: 11p15.5.
Variant type: single nucleotide variant.
Genome position: GRCh38 VCF-style: chr11-1219991-G-T. GRCh37 (hg19) VCF-style: chr11-1241221-G-T.
Identifiers: ClinVar variation 30126 (VCV000030126.55), dbSNP rs35705950, ClinGen allele CA128956.

ClinVar aggregate classification (germline): Benign; risk factor. Review status: criteria provided, multiple submitters, no conflicts (2 of 4 stars). 5 submissions from 4 submitters: Benign (1). 3 of the submissions do not count toward it. Last evaluated 2022-08-01.

Conditions:
Antisynthetase syndrome. Identifiers: Orphanet 81, MedGen C5959873, MONDO:0019344.
Susceptibility to coronavirus disease (COVID-19) severity and mortality due to low plasma levels of MUC5B.
Interstitial lung disease 2 (ILD2). Also called: FIBROCYSTIC PULMONARY DYSPLASIA; FIBROSING ALVEOLITIS, CRYPTOGENIC; Familial idiopathic pulmonary fibrosis. Identifiers: Orphanet 2032, Orphanet 79126, MedGen C5561926, MONDO:0800497, OMIM 178500, MONDO:0800029.
PULMONARY FIBROSIS, IDIOPATHIC, SUSCEPTIBILITY TO. Identifiers: MedGen C4016689.

Allele frequency attached by ClinVar (database versions not stated): 1000 Genomes Project 0.04673; 1000 Genomes Project 30x 0.04856; TOPMed 0.07019.

Submissions (5):

CeGaT Center for Human Genetics Tuebingen
Classification: Benign. Last evaluated: 2022-08-01. Review status: criteria provided, single submitter. Criteria: CeGaT Center For Human Genetics Tuebingen Variant Classification Criteria Version 2. Collection method: clinical testing. Allele origin: germline. Affected: yes. Observed: 1 variant allele.
Comment: MUC5B: BS1, BS2

Laboratory for Molecular Medicine, Mass General Brigham Personalized Medicine
Classification: risk factor for Idiopathic Pulmonary Fibrosis. Last evaluated: 2020-03-04. Review status: criteria provided, single submitter. Criteria: LMM Criteria. Collection method: clinical testing. Allele origin: germline. Observed: 135 variant alleles.
Comment: MUC5B c.-3133G>T has been associated with increased risk for idiopathic pulmonary fibrosis. This variant has been observed in multiple ethnic backgrounds with highest frequencies in individuals of Ashkenazi Jewish ancestry (16.2%, Genome Aggregation Database (gnomAD); rs35705950) and is present in ClinVar (ID: 30126). Several studies have reported an odds ratios between 3.7-8.3 for developing pulmonary fibrosis in heterozygous individuals (OR=6.3 [95% CI 4.6-8.7] Borie 2013, OR=6.3 [95% CI 3.1-12.7] Hunninghake 2013, OR=8.3 [95% CI 5.8-11.9] Seibold 2013, OR=4.9 [95% CI 3.42-7.03] Stock 2013, OR=5.72 [95% CI 4.7-7.1] Lee 2015, OR=6.2 [95% CI 5.14-7.48] Zhu 2015) and odds ratios between 11.3-21.7 for developing pulmonary fibrosis in homozygous individuals (OR=21.7 [95% CI 104-45.3] Borie 2013, OR=12.98 [95% CI 7.97-21.12] Lee 2015, OR=11.29 [95% CI 5.69-22.40] Zhu 2015). MUC5B c.-3133G>T is a promoter variant that results in increased MUC5B expression (Seibold 2011, Nakano 2016, Kaur 2017). In summary, this variant is an established risk factor for idiopathic pulmonary fibrosis.

Pneumogenomics Laboratory, Instituto Nacional de Enfermedades Respiratorias Ismael Cosio Villegas
Classification: association for Antisynthetase syndrome. Last evaluated: 2024-05-15. Review status: no assertion criteria provided. Collection method: research. Allele origin: germline. Affected: yes. Not counted in ClinVar's aggregate classification.
Comment: Usual Interstitial Pneumonia was observed in the patients

Pneumogenomics Laboratory, Instituto Nacional de Enfermedades Respiratorias Ismael Cosio Villegas
Classification: Uncertain significance for Susceptibility to coronavirus disease (COVID-19) severity and mortality due to low plasma levels of MUC5B. Last evaluated: 2022-05-13. Review status: no assertion criteria provided. Collection method: research. Allele origin: germline. Affected: yes. Not counted in ClinVar's aggregate classification.
Comment: Differences in plasma levels of MUC5B according to genotypes

OMIM
Classification: risk factor for PULMONARY FIBROSIS, IDIOPATHIC, SUSCEPTIBILITY TO. Last evaluated: 2013-06-06. Review status: no assertion criteria provided. Collection method: literature only. Allele origin: germline. Not counted in ClinVar's aggregate classification.

Literature cited by the submitters: PubMed 21506741 (cited by Laboratory for Molecular Medicine, Mass General Brigham Personalized Medicine and OMIM); PubMed 21506748 (cited by Laboratory for Molecular Medicine, Mass General Brigham Personalized Medicine and OMIM); PubMed 23695349 (cited by Laboratory for Molecular Medicine, Mass General Brigham Personalized Medicine); PubMed 23321605 (cited by Laboratory for Molecular Medicine, Mass General Brigham Personalized Medicine); PubMed 23940607 (cited by Laboratory for Molecular Medicine, Mass General Brigham Personalized Medicine); PubMed 23692170 (cited by Laboratory for Molecular Medicine, Mass General Brigham Personalized Medicine and OMIM); PubMed 25926289 (cited by Laboratory for Molecular Medicine, Mass General Brigham Personalized Medicine); PubMed 30345907 (cited by OMIM).